The following is an entry in ClinVar:

ClinVar aggregate classification (germline): Uncertain significance (1 of 4 stars; one submission).

Submission:

Ambry Genetics
Classification: Uncertain significance. Last evaluated: 2022-04-18. Review status: criteria provided, single submitter. Criteria: Ambry Variant Classification Scheme 2023. Collection method: clinical testing. Allele origin: germline.
Comment: The c.1779A>G variant (also known as p.Q593Q), located in coding exon 18 of the KIF1B gene, results from an A to G substitution at nucleotide position 1779. This nucleotide substitution does not change the amino acid at codon 593. This nucleotide position is not well conserved in available vertebrate species. In silico splice site analysis predicts that this alteration will result in the creation or strengthening of a novel splice acceptor site. Since supporting evidence is limited at this time, the clinical significance of this alteration remains unclear.

NM_001365951.3(KIF1B):c.1917A>G (p.Gln639=)

Gene: KIF1B (kinesin family member 1B; plus strand). Cytogenetic location: 1p36.22.
Variant type: single nucleotide variant.
Coding change: c.1917A>G on transcript NM_001365951.3 (MANE Select); coding-DNA position 1917, A replaced by G.
Protein change: p.Gln639=; no amino-acid change (glutamine 639 retained).
Molecular consequence: synonymous variant.
Genome position (GRCh38, 1-based): chr1:10,296,952, A>G. VCF-style: chr1-10296952-A-G. GRCh37 (hg19) VCF-style: chr1-10357010-A-G.
Other names: c.1917A>G, p.Gln639= (NM_001365952.1); c.1779A>G, p.Gln593= (NM_001365953.1, NM_015074.3, NM_183416.4).
Identifiers: ClinVar variation 1779918 (VCV001779918.2), dbSNP rs2521402052, ClinGen allele CA416034139.
Genomic context (GRCh38, chr1:10,296,952, plus strand): 5'-GCTAGGAAACCGTATCATCATGGGTAAAAACCATGTTTTCCGCTTTAACCACCCGGAACA[A>G]GCACGAGCTGAGCGAGAGAAGACTCCTTCTGCTGAGACCCCCTCTGAGCCTGTGGACTGG-3'
Protein context (NP_001352880.1, residues 629-649): NHVFRFNHPE[Gln639=]ARAEREKTPS